The following is an entry in ClinVar:

ClinVar aggregate classification (germline): Uncertain significance (1 of 4 stars; one submission).

Conditions:
Idiopathic generalized epilepsy. Also called: EIG; Generalised epilepsy. Identifiers: MedGen C0270850, MONDO:0005579, OMIM 600669.

Allele frequency attached by ClinVar (database versions not stated): gnomAD exomes 0.00002.

Submission:

Labcorp Genetics (formerly Invitae), Labcorp
Classification: Uncertain significance for Idiopathic generalized epilepsy. Last evaluated: 2022-03-12. Review status: criteria provided, single submitter. Criteria: Invitae Variant Classification Sherloc (09022015). Collection method: clinical testing. Allele origin: germline.
Comment: The frequency data for this variant in the population databases is considered unreliable, as metrics indicate insufficient coverage at this position in the gnomAD database. This sequence change replaces arginine, which is basic and polar, with histidine, which is basic and polar, at codon 20 of the GABRD protein (p.Arg20His). This variant has not been reported in the literature in individuals affected with GABRD-related conditions. In summary, the available evidence is currently insufficient to determine the role of this variant in disease. Therefore, it has been classified as a Variant of Uncertain Significance. Algorithms developed to predict the effect of missense changes on protein structure and function output the following: SIFT: "Tolerated"; PolyPhen-2: "Not Available"; Align-GVGD: "Class C0". The histidine amino acid residue is found in multiple mammalian species, which suggests that this missense change does not adversely affect protein function.

NM_000815.5(GABRD):c.59G>A (p.Arg20His)

Gene: GABRD (gamma-aminobutyric acid type A receptor subunit delta; plus strand). Cytogenetic location: 1p36.33.
Variant type: single nucleotide variant.
Coding change: c.59G>A on transcript NM_000815.5 (MANE Select); coding-DNA position 59, G replaced by A.
Protein change: p.Arg20His; replaces arginine 20 with histidine.
Molecular consequence: missense variant.
Genome position (GRCh38, 1-based): chr1:2,019,482, G>A. VCF-style: chr1-2019482-G-A. GRCh37 (hg19) VCF-style: chr1-1950921-G-A.
Other names: short protein forms R20H.
Identifiers: ClinVar variation 1980689 (VCV001980689.4), dbSNP rs2525610561, ClinGen allele CA337953863.
Genomic context (GRCh38, chr1:2,019,482, plus strand): 5'-CCATGGACGCGCCCGCCCGGCTGCTGGCCCCGCTCCTGCTCCTCTGCGCGCAGCAGCTCC[G>A]CGGCACCAGGTGAGCGGGCGGGGTCCGCGCGGCGCGGGGTCGGGGGCGGTGGGGGGCCCG-3'
Protein context (NP_000806.2, residues 10-30): PLLLLCAQQL[Arg20His]GTRAMNDIGD